The following is an entry in ClinVar:

ClinVar aggregate classification (germline): Benign/Likely benign. Review status: criteria provided, multiple submitters, no conflicts (2 of 4 stars). 4 submissions from 4 submitters: Benign (1); Likely benign (2). 1 of the submissions does not count toward it. Last evaluated 2025-12-30.

Conditions:
CDKL5 disorder. Identifiers: MedGen CN296942, MONDO:0100039.
Developmental and epileptic encephalopathy, 2 (DEE2). Also called: INFANTILE SPASM SYNDROME, X-LINKED 2; CDKL5 deficiency disorder. Identifiers: Orphanet 1934, Orphanet 3451, Orphanet 505652, MedGen C4750718, MONDO:0010396, OMIM 300672.
Angelman syndrome-like. Identifiers: MedGen CN128785.

Allele frequency attached by ClinVar (database versions not stated): gnomAD 0.00001; gnomAD exomes 0.00001 and 0.00005; ExAC 0.00002; TOPMed 0.00002.
gnomAD v4.1: 56 of 1,209,696 alleles (0.0046%); highest among the groups gnomAD compares: Non-Finnish European, 0.0061%; no homozygotes.

Submissions (4):

Labcorp Genetics (formerly Invitae), Labcorp
Classification: Benign for Developmental and epileptic encephalopathy, 2; Angelman syndrome-like. Last evaluated: 2025-12-30. Review status: criteria provided, single submitter. Criteria: Invitae Variant Classification Sherloc (09022015). Collection method: clinical testing. Allele origin: germline.

Centre for Population Genomics, CPG
Classification: Likely benign for CDKL5 disorder. Last evaluated: 2024-09-16. Review status: criteria provided, single submitter. Criteria: McKnight et al. (Hum Mutat. 2022). Collection method: curation. Allele origin: germline. Inheritance: X-linked inheritance.
Comment: This variant has been collected from RettBASE and curated to current modified ACMG/AMP criteria. Based on the classification scheme defined by the ClinGen Rett/Angelman-like Expert Panel for Rett/AS-like Disorders Specifications to the ACMG/AMP Variant Interpretation Guidelines VCEP 3.0, this variant is classified as likely benign. At least the following criteria are met: Synonymous or intronic variant outside donor and acceptor splice regions where splicing prediction algorithms do not support significant splicing alteration (spliceAI score <=0.1) (BP4, BP7).

GeneDx
Classification: Likely benign. Last evaluated: 2016-10-21. Review status: criteria provided, single submitter. Criteria: GeneDx Variant Classification (06012015). Collection method: clinical testing. Allele origin: germline. Affected: yes.
Comment: This variant is considered likely benign or benign based on one or more of the following criteria: it is a conservative change, it occurs at a poorly conserved position in the protein, it is predicted to be benign by multiple in silico algorithms, and/or has population frequency not consistent with disease.

RettBASE
Classification: Benign. Last evaluated: 2014-03-13. Review status: no assertion criteria provided. Collection method: curation. Allele origin: maternal. Observed: 1 variant allele. Not counted in ClinVar's aggregate classification.

Literature cited by the submitters: PubMed 20479760 (cited by RettBASE).

NM_001323289.2(CDKL5):c.1278A>C (p.Ser426=)

Gene: CDKL5 (cyclin dependent kinase like 5; plus strand). Cytogenetic location: Xp22.13.
Variant type: single nucleotide variant.
Coding change: c.1278A>C on transcript NM_001323289.2 (MANE Select); coding-DNA position 1278, A replaced by C.
Protein change: p.Ser426=; no amino-acid change (serine 426 retained).
Molecular consequence: synonymous variant.
Genome position (GRCh38, 1-based): chrX:18,604,202, A>C. VCF-style: chrX-18604202-A-C. GRCh37 (hg19) VCF-style: chrX-18622322-A-C.
Other names: NM_001323289.2(CDKL5):c.1278A>C; p.Ser426=; c.1278A>C, p.Ser426= (NM_001037343.2, NM_003159.3).
Identifiers: ClinVar variation 143773 (VCV000143773.13), dbSNP rs267608620, ClinGen allele CA170442.